The following is an entry in ClinVar:

NM_006757.4(TNNT3):c.125+5G>A

Gene: TNNT3 (troponin T3, fast skeletal type; plus strand). Cytogenetic location: 11p15.5.
Variant type: single nucleotide variant.
Coding change: c.125+5G>A on transcript NM_006757.4 (MANE Select); 5 bases into the intron after coding-DNA position 125, G replaced by A.
Molecular consequence: intron variant.
Genome position (GRCh38, 1-based): chr11:1,929,833, G>A. VCF-style: chr11-1929833-G-A. GRCh37 (hg19) VCF-style: chr11-1951063-G-A.
Other names: c.101+5G>A (NM_001297646.2, NM_001042780.3, NM_001042782.3 and 2 more transcripts); c.158+5G>A (NM_001367846.1); c.134+5G>A (NM_001363561.2, NM_001367847.1); c.119+5G>A (NM_001042781.3, NM_001367843.1, NM_001367842.1); c.122+5G>A (NM_001367848.1); c.68+5G>A (NM_001367850.1); c.-80+5G>A (NM_001367851.1, NM_001367852.1); c.113+5G>A (NM_001367849.1).
Identifiers: ClinVar variation 4767410 (VCV004767410.1).

ClinVar aggregate classification (germline): Uncertain significance (1 of 4 stars; one submission).

Submission:

Labcorp Genetics (formerly Invitae), Labcorp
Classification: Uncertain significance. Last evaluated: 2025-05-13. Review status: criteria provided, single submitter. Criteria: Invitae Variant Classification Sherloc (09022015). Collection method: clinical testing. Allele origin: germline.
Comment: This sequence change falls in intron 8 of the TNNT3 gene. It does not directly change the encoded amino acid sequence of the TNNT3 protein. It affects a nucleotide within the consensus splice site. This variant is not present in population databases (gnomAD no frequency). This variant has not been reported in the literature in individuals affected with TNNT3-related conditions. Variants that disrupt the consensus splice site are a relatively common cause of aberrant splicing (PMID: 17576681, 9536098). Algorithms developed to predict the effect of sequence changes on RNA splicing suggest that this variant may disrupt the consensus splice site. In summary, the available evidence is currently insufficient to determine the role of this variant in disease. Therefore, it has been classified as a Variant of Uncertain Significance.

Literature cited by the submitters: PubMed 17576681; PubMed 9536098.